The following is an entry in ClinVar:

ClinVar aggregate classification (germline): Conflicting classifications of pathogenicity. Review status: criteria provided, conflicting classifications (1 of 4 stars). 4 submissions from 4 submitters: Pathogenic (1); Likely pathogenic (1); Uncertain significance (1). 1 of the submissions does not count toward it. Last evaluated 2026-07-08.

Conditions:
BBS12-related disorder. Also called: BBS12-related condition.
Bardet-Biedl syndrome (BBS). Identifiers: Orphanet 110, MedGen C0752166, MONDO:0015229.
Bardet-Biedl syndrome 12 (BBS12). Identifiers: Orphanet 110, MedGen C1859570, MONDO:0014440, OMIM 615989.

Allele frequency attached by ClinVar (database versions not stated): gnomAD exomes below 0.00001 and 0.00001; TOPMed below 0.00001.
gnomAD v4.1: 9 of 1,614,238 alleles (0.00056%); highest among the groups gnomAD compares: Non-Finnish European, 0.00076%; no homozygotes.

Submissions (4):

PreventionGenetics, part of Exact Sciences
Classification: Likely pathogenic for BBS12-related condition. Last evaluated: 2026-07-08. Review status: criteria provided, single submitter. Criteria: ACMG Guidelines, 2015. Collection method: clinical testing. Allele origin: germline.
Comment: The BBS12 c.1277G>A variant is predicted to result in the amino acid substitution p.Cys426Tyr. This variant has been reported in the compound heterozygous state in individuals with clinical characteristics consistent with Bardet-Biedl syndrome (Table S1, Forsythe et al. 2016. PubMed ID: 27659767; Bekheirnia et al. 2021. PubMed ID: 35368817; Simičić Majce et al. 2023. PubMed ID: 37469681). An alternate missense change impacting the same amino acid (p.Cys426Arg) has been reported in the homozygous state in an individual with Bardet-Biedl syndrome (Tao et al. 2020. PubMed ID: 32448990). This variant is present in 0.00088% of alleles in individuals of European (Non-Finnish) descent in gnomAD. This variant is interpreted as likely pathogenic.

Labcorp Genetics (formerly Invitae), Labcorp
Classification: Pathogenic for Bardet-Biedl syndrome. Last evaluated: 2024-02-11. Review status: criteria provided, single submitter. Criteria: Invitae Variant Classification Sherloc (09022015). Collection method: clinical testing. Allele origin: germline.
Comment: This sequence change replaces cysteine, which is neutral and slightly polar, with tyrosine, which is neutral and polar, at codon 426 of the BBS12 protein (p.Cys426Tyr). This variant is not present in population databases (gnomAD no frequency). This missense change has been observed in individual(s) with clinical features of Bardet-Biedl syndrome (PMID: 27659767; Invitae). In at least one individual the data is consistent with being in trans (on the opposite chromosome) from a pathogenic variant. It has also been observed to segregate with disease in related individuals. ClinVar contains an entry for this variant (Variation ID: 347502). Advanced modeling of protein sequence and biophysical properties (such as structural, functional, and spatial information, amino acid conservation, physicochemical variation, residue mobility, and thermodynamic stability) performed at Invitae indicates that this missense variant is expected to disrupt BBS12 protein function with a positive predictive value of 80%. For these reasons, this variant has been classified as Pathogenic.

Illumina Laboratory Services, Illumina
Classification: Uncertain significance for Bardet-Biedl syndrome 12. Last evaluated: 2018-01-13. Review status: criteria provided, single submitter. Criteria: ICSL Variant Classification Criteria 13 December 2019. Collection method: clinical testing. Allele origin: germline.

Counsyl
Classification: Uncertain significance for Bardet-Biedl syndrome 12. Last evaluated: 2017-10-24. Review status: no assertion criteria provided. Collection method: clinical testing. Allele origin: unknown. Not counted in ClinVar's aggregate classification.

Literature cited by the submitters: PubMed 27659767 (cited by Labcorp Genetics (formerly Invitae), Labcorp and Counsyl).

NM_152618.3(BBS12):c.1277G>A (p.Cys426Tyr)

Gene: BBS12 (Bardet-Biedl syndrome 12; plus strand). Cytogenetic location: 4q27.
Variant type: single nucleotide variant.
Coding change: c.1277G>A on transcript NM_152618.3 (MANE Select); coding-DNA position 1277, G replaced by A.
Protein change: p.Cys426Tyr; replaces cysteine 426 with tyrosine.
Molecular consequence: missense variant.
Genome position (GRCh38, 1-based): chr4:122,743,169, G>A. VCF-style: chr4-122743169-G-A. GRCh37 (hg19) VCF-style: chr4-123664324-G-A.
Other names: c.1277G>A, p.Cys426Tyr (NM_001178007.2); short protein forms C426Y.
Identifiers: ClinVar variation 347502 (VCV000347502.12), dbSNP rs886059058, ClinGen allele CA10617032.